The following is an entry in ClinVar:

ClinVar aggregate classification (germline): Uncertain significance (1 of 4 stars; one submission).

Submission:

GeneDx
Classification: Uncertain significance. Last evaluated: 2019-12-26. Review status: criteria provided, single submitter. Criteria: GeneDx Variant Classification Process June 2021. Collection method: clinical testing. Allele origin: germline. Affected: yes.
Comment: Not observed in large population cohorts (Lek et al., 2016); In silico analysis, which includes protein predictors and evolutionary conservation, supports a deleterious effect; Has not been previously published as pathogenic or benign to our knowledge

NM_001375380.1(EBF3):c.155C>T (p.Ala52Val)

Gene: EBF3 (EBF transcription factor 3; minus strand). Cytogenetic location: 10q26.3.
Variant type: single nucleotide variant.
Coding change: c.155C>T on transcript NM_001375380.1 (MANE Select); coding-DNA position 155, C replaced by T.
Protein change: p.Ala52Val; replaces alanine 52 with valine.
Molecular consequence: missense variant.
Genome position (GRCh38, 1-based): chr10:129,963,503, G>A on the plus strand (C>T on the coding strand, the complement: EBF3 is on the minus strand). VCF-style: chr10-129963503-G-A. GRCh37 (hg19) VCF-style: chr10-131761767-G-A.
Other names: c.155C>T, p.Ala52Val (NM_001005463.3, NM_001375379.1, NM_001375389.1 and 3 more transcripts); short protein forms A52V.
Identifiers: ClinVar variation 1311689 (VCV001311689.2), dbSNP rs2134659824, ClinGen allele CA378911406.
Genomic context (GRCh38, chr10:129,963,503, plus strand): 5'-AGCACGAAGTGGAAGAAATTGGATTTCCGGAGGTTGGAAGGCGGCTGCTTCTCGAAGTGC[G>A]CCCGCGCCAGCCCCACGCCGCTGCGGGAGGAAAGAGACAGCGGCCCGGTGAGGAGCGCGG-3'
Protein context (NP_001362309.1, residues 42-62): AAQSGVGLAR[Ala52Val]HFEKQPPSNL